The following is an entry in ClinVar:

NM_001040108.2(MLH3):c.4157C>T (p.Ser1386Leu)

Gene: MLH3 (mutL homolog 3; minus strand). Cytogenetic location: 14q24.3.
Variant type: single nucleotide variant.
Coding change: c.4157C>T on transcript NM_001040108.2 (MANE Select); coding-DNA position 4157, C replaced by T.
Protein change: p.Ser1386Leu; replaces serine 1386 with leucine.
Molecular consequence: missense variant.
Genome position (GRCh38, 1-based): chr14:75,018,914, G>A on the plus strand (C>T on the coding strand, the complement: MLH3 is on the minus strand). VCF-style: chr14-75018914-G-A. GRCh37 (hg19) VCF-style: chr14-75485617-G-A.
Other names: c.4085C>T, p.Ser1362Leu (NM_014381.3); short protein forms S1386L, S1362L.
Identifiers: ClinVar variation 3873455 (VCV003873455.1).

ClinVar aggregate classification (germline): Uncertain significance (1 of 4 stars; one submission).

gnomAD v4.1: 30 of 1,614,184 alleles (0.0019%); highest among the groups gnomAD compares: Non-Finnish European, 0.0025%; no homozygotes.

Submission:

Ambry Genetics
Classification: Uncertain significance. Last evaluated: 2025-01-05. Review status: criteria provided, single submitter. Criteria: Ambry Variant Classification Scheme 2023. Collection method: clinical testing. Allele origin: germline.
Comment: The p.S1386L variant (also known as c.4157C>T), located in coding exon 11 of the MLH3 gene, results from a C to T substitution at nucleotide position 4157. The serine at codon 1386 is replaced by leucine, an amino acid with dissimilar properties. This amino acid position is conserved. In addition, this alteration is predicted to be tolerated by in silico analysis. Based on the available evidence, the clinical significance of this variant remains unclear.